The following is an entry in ClinVar:

ClinVar aggregate classification (germline): Likely benign. Review status: criteria provided, single submitter (1 of 4 stars). 2 submissions from 2 submitters: Likely benign (1). 1 of the submissions does not count toward it. Last evaluated 2018-06-08.

Conditions:
FUT2-related disorder. Also called: FUT2-related condition.

Submissions (2):

Labcorp Genetics (formerly Invitae), Labcorp
Classification: Likely benign. Last evaluated: 2018-06-08. Review status: criteria provided, single submitter. Criteria: Invitae Variant Classification Sherloc (09022015). Collection method: clinical testing. Allele origin: germline.

PreventionGenetics, part of Exact Sciences
Classification: Likely benign for FUT2-related condition. Last evaluated: 2019-10-28. Review status: no assertion criteria provided. Collection method: clinical testing. Allele origin: germline. Not counted in ClinVar's aggregate classification.
Comment: This variant is classified as likely benign based on ACMG/AMP sequence variant interpretation guidelines (Richards et al. 2015 PMID: 25741868, with internal and published modifications).

NM_000511.6(FUT2):c.444C>G (p.Thr148=)

Genes: FUT2 (fucosyltransferase 2 (H blood group); plus strand), LOC105447645 (uncharacterized LOC105447645; minus strand). Cytogenetic location: 19q13.33.
Variant type: single nucleotide variant.
Coding change: c.444C>G on transcript NM_000511.6 (MANE Select); coding-DNA position 444, C replaced by G.
Protein change: p.Thr148=; no amino-acid change (threonine 148 retained).
Molecular consequence: synonymous variant. On other transcripts: non-coding transcript variant (1).
Genome position (GRCh38, 1-based): chr19:48,703,400, C>G. VCF-style: chr19-48703400-C-G. GRCh37 (hg19) VCF-style: chr19-49206657-C-G.
Other names: c.444C>G, p.Thr148= (NM_001097638.3).
Identifiers: ClinVar variation 724072 (VCV000724072.5), dbSNP rs747849767, ClinGen allele CA9556247.